The following is an entry in ClinVar:

ClinVar aggregate classification (germline): Uncertain significance (1 of 4 stars; one submission).

Submission:

Labcorp Genetics (formerly Invitae), Labcorp
Classification: Uncertain significance. Last evaluated: 2025-07-20. Review status: criteria provided, single submitter. Criteria: Invitae Variant Classification Sherloc (09022015). Collection method: clinical testing. Allele origin: germline.
Comment: This sequence change affects codon 309 of the MOCS3 mRNA. It is a 'silent' change, meaning that it does not change the encoded amino acid sequence of the MOCS3 protein. This variant is not present in population databases (gnomAD no frequency). This variant has not been reported in the literature in individuals affected with MOCS3-related conditions. In summary, the available evidence is currently insufficient to determine the role of this variant in disease. Therefore, it has been classified as a Variant of Uncertain Significance.

NM_014484.5(MOCS3):c.927G>A (p.Leu309=)

Gene: MOCS3 (molybdenum cofactor synthesis 3; plus strand). Cytogenetic location: 20q13.13.
Variant type: single nucleotide variant.
Coding change: c.927G>A on transcript NM_014484.5 (MANE Select); coding-DNA position 927, G replaced by A.
Protein change: p.Leu309=; no amino-acid change (leucine 309 retained).
Molecular consequence: synonymous variant.
Genome position (GRCh38, 1-based): chr20:50,959,769, G>A. VCF-style: chr20-50959769-G-A. GRCh37 (hg19) VCF-style: chr20-49576306-G-A.
Identifiers: ClinVar variation 4774166 (VCV004774166.1).